The following is an entry in ClinVar:

ClinVar aggregate classification (germline): Uncertain significance (1 of 4 stars; one submission).

Allele frequency attached by ClinVar (database versions not stated): gnomAD exomes below 0.00001; TOPMed below 0.00001.
gnomAD v4.1: 2 of 1,607,928 alleles (0.00012%); highest among the groups gnomAD compares: Admixed American, 0.0017%; no homozygotes.

Submission:

Labcorp Genetics (formerly Invitae), Labcorp
Classification: Uncertain significance. Last evaluated: 2024-02-05. Review status: criteria provided, single submitter. Criteria: Invitae Variant Classification Sherloc (09022015). Collection method: clinical testing. Allele origin: germline.
Comment: This sequence change replaces serine, which is neutral and polar, with glycine, which is neutral and non-polar, at codon 161 of the LRP2 protein (p.Ser161Gly). This variant is present in population databases (no rsID available, gnomAD 0.003%). This variant has not been reported in the literature in individuals affected with LRP2-related conditions. ClinVar contains an entry for this variant (Variation ID: 2160906). Advanced modeling of protein sequence and biophysical properties (such as structural, functional, and spatial information, amino acid conservation, physicochemical variation, residue mobility, and thermodynamic stability) performed at Invitae indicates that this missense variant is not expected to disrupt LRP2 protein function with a negative predictive value of 95%. In summary, the available evidence is currently insufficient to determine the role of this variant in disease. Therefore, it has been classified as a Variant of Uncertain Significance.

NM_004525.3(LRP2):c.481A>G (p.Ser161Gly)

Gene: LRP2 (LDL receptor related protein 2; minus strand). Cytogenetic location: 2q31.1.
Variant type: single nucleotide variant.
Coding change: c.481A>G on transcript NM_004525.3 (MANE Select); coding-DNA position 481, A replaced by G.
Protein change: p.Ser161Gly; replaces serine 161 with glycine.
Molecular consequence: missense variant.
Genome position (GRCh38, 1-based): chr2:169,294,657, T>C on the plus strand (A>G on the coding strand, the complement: LRP2 is on the minus strand). VCF-style: chr2-169294657-T-C. GRCh37 (hg19) VCF-style: chr2-170151167-T-C.
Other names: short protein forms S161G.
Identifiers: ClinVar variation 2160906 (VCV002160906.3), dbSNP rs1408188169, ClinGen allele CA349164110.